The following is an entry in ClinVar:

NM_006915.3(RP2):c.44C>G (p.Ser15Trp)

Genes: RP2 (RP2 activator of ARL3 GTPase; plus strand), LOC130068202 (ATAC-STARR-seq lymphoblastoid active region 29577; plus strand). Cytogenetic location: Xp11.3.
Variant type: single nucleotide variant.
Coding change: c.44C>G on transcript NM_006915.3 (MANE Select); coding-DNA position 44, C replaced by G.
Protein change: p.Ser15Trp; replaces serine 15 with tryptophan.
Molecular consequence: missense variant.
Genome position (GRCh38, 1-based): chrX:46,837,144, C>G. VCF-style: chrX-46837144-C-G. GRCh37 (hg19) VCF-style: chrX-46696579-C-G.
Other names: short protein forms S15W.
Identifiers: ClinVar variation 3544434 (VCV003544434.2).
Genomic context (GRCh38, chrX:46,837,144, plus strand): 5'-CTCCGCGGGCTGGGACCATGGGCTGCTTCTTCTCCAAGAGACGGAAGGCTGACAAGGAGT[C>G]GCGGCCCGAGAACGAGGAGGAGCGGCCAAAGCAGTACAGCTGGGATCAGCGCGAGAAGGT-3'
Protein context (NP_008846.2, residues 5-25): FSKRRKADKE[Ser15Trp]RPENEEERPK

ClinVar aggregate classification (germline): Uncertain significance. Review status: criteria provided, multiple submitters, no conflicts (2 of 4 stars). 2 submissions from 2 submitters: Uncertain significance (2). Last evaluated 2024-10-01.

Conditions:
Stargardt disease (FFM). Also called: Stargardt's disease; Fundus flavimaculatus. Identifiers: Orphanet 827, MedGen C0271093, MONDO:0019353.

Submissions (2):

Lab De Baere, Eye and Developmental Genetics Lab, Ghent University
Classification: Uncertain significance for Stargardt disease. Last evaluated: 2024-10-01. Review status: criteria provided, single submitter. Criteria: ACMG Guidelines, 2015. Collection method: research. Allele origin: inherited. Affected: yes. Observed: 1 variant allele.
Comment: ACMG/AMP guidelines: PM2, BP1, BP4

Blueprint Genetics
Classification: Uncertain significance. Last evaluated: 2023-11-20. Review status: criteria provided, single submitter. Criteria: ACMG Guidelines, 2015. Collection method: clinical testing. Allele origin: germline.